The following is an entry in ClinVar:

NM_001429.4(EP300):c.6707A>G (p.Gln2236Arg)

Gene: EP300 (EP300 lysine acetyltransferase; plus strand). Cytogenetic location: 22q13.2.
Variant type: single nucleotide variant.
Coding change: c.6707A>G on transcript NM_001429.4 (MANE Select); coding-DNA position 6707, A replaced by G.
Protein change: p.Gln2236Arg; replaces glutamine 2236 with arginine.
Molecular consequence: missense variant.
Genome position (GRCh38, 1-based): chr22:41,178,418, A>G. VCF-style: chr22-41178418-A-G. GRCh37 (hg19) VCF-style: chr22-41574422-A-G.
Other names: c.6629A>G, p.Gln2210Arg (NM_001362843.2); short protein forms Q2236R, Q2210R.
Identifiers: ClinVar variation 2088506 (VCV002088506.4), dbSNP rs2517835363, ClinGen allele CA411682570.

ClinVar aggregate classification (germline): Uncertain significance (1 of 4 stars; one submission).

Conditions:
Rubinstein-Taybi syndrome due to EP300 haploinsufficiency. Also called: EP300-Related Rubinstein-Taybi Syndrome; RUBINSTEIN-TAYBI SYNDROME 2. Identifiers: Orphanet 353284, Orphanet 783, MedGen C3150941, MONDO:0013364, OMIM 613684.

Allele frequency attached by ClinVar (database versions not stated): gnomAD exomes 0.00001.
gnomAD v4.1: 6 of 1,614,124 alleles (0.00037%); highest among the groups gnomAD compares: Non-Finnish European, 0.00051%; no homozygotes.

Submission:

Labcorp Genetics (formerly Invitae), Labcorp
Classification: Uncertain significance for Rubinstein-Taybi syndrome due to EP300 haploinsufficiency. Last evaluated: 2022-01-21. Review status: criteria provided, single submitter. Criteria: Invitae Variant Classification Sherloc (09022015). Collection method: clinical testing. Allele origin: germline.
Comment: This variant has not been reported in the literature in individuals affected with EP300-related conditions. In summary, the available evidence is currently insufficient to determine the role of this variant in disease. Therefore, it has been classified as a Variant of Uncertain Significance. Advanced modeling of protein sequence and biophysical properties (such as structural, functional, and spatial information, amino acid conservation, physicochemical variation, residue mobility, and thermodynamic stability) performed at Invitae indicates that this missense variant is not expected to disrupt EP300 protein function. This variant is not present in population databases (gnomAD no frequency). This sequence change replaces glutamine, which is neutral and polar, with arginine, which is basic and polar, at codon 2236 of the EP300 protein (p.Gln2236Arg).